The following is an entry in ClinVar:

NM_001322934.2(NFKB2):c.92C>G (p.Ala31Gly)

Gene: NFKB2 (nuclear factor kappa B subunit 2; plus strand). Cytogenetic location: 10q24.32.
Variant type: single nucleotide variant.
Coding change: c.92C>G on transcript NM_001322934.2 (MANE Select); coding-DNA position 92, C replaced by G.
Protein change: p.Ala31Gly; replaces alanine 31 with glycine.
Molecular consequence: missense variant.
Genome position (GRCh38, 1-based): chr10:102,396,323, C>G. VCF-style: chr10-102396323-C-G. GRCh37 (hg19) VCF-style: chr10-104156080-C-G.
Other names: c.92C>G, p.Ala31Gly (NM_001077494.3, NM_001261403.3, NM_001288724.1 and 2 more transcripts); short protein forms A31G.
Identifiers: ClinVar variation 4780590 (VCV004780590.1).

ClinVar aggregate classification (germline): Uncertain significance (1 of 4 stars; one submission).

Conditions:
Immunodeficiency, common variable, 10. Also called: IMMUNODEFICIENCY, COMMON VARIABLE, WITH CENTRAL ADRENAL INSUFFICIENCY; DEFICIT IN ANTERIOR PITUITARY FUNCTION AND VARIABLE IMMUNODEFICIENCY. Identifiers: MedGen C3809991, MONDO:0014260, OMIM 615577.

Submission:

Labcorp Genetics (formerly Invitae), Labcorp
Classification: Uncertain significance for Immunodeficiency, common variable, 10. Last evaluated: 2025-05-13. Review status: criteria provided, single submitter. Criteria: Invitae Variant Classification Sherloc (09022015). Collection method: clinical testing. Allele origin: germline.
Comment: This sequence change replaces alanine, which is neutral and non-polar, with glycine, which is neutral and non-polar, at codon 31 of the NFKB2 protein (p.Ala31Gly). This variant is not present in population databases (gnomAD no frequency). This variant has not been reported in the literature in individuals affected with NFKB2-related conditions. An algorithm developed to predict the effect of missense changes on protein structure and function (PolyPhen-2) suggests that this variant is likely to be tolerated. In summary, the available evidence is currently insufficient to determine the role of this variant in disease. Therefore, it has been classified as a Variant of Uncertain Significance.